The following is an entry in ClinVar:

ClinVar aggregate classification (germline): Uncertain significance (1 of 4 stars; one submission).

Submission:

CeGaT Center for Human Genetics Tuebingen
Classification: Uncertain significance. Last evaluated: 2026-06-01. Review status: criteria provided, single submitter. Criteria: CeGaT Center For Human Genetics Tuebingen Variant Classification Criteria Version 2. Collection method: clinical testing. Allele origin: germline. Affected: yes. Observed: 1 variant allele.
Comment: ZSWIM6: PM2

NM_020928.2(ZSWIM6):c.178G>T (p.Gly60Cys)

Gene: ZSWIM6 (zinc finger SWIM-type containing 6; plus strand). Cytogenetic location: 5q12.1.
Variant type: single nucleotide variant.
Coding change: c.178G>T on transcript NM_020928.2 (MANE Select); coding-DNA position 178, G replaced by T.
Protein change: p.Gly60Cys; replaces glycine 60 with cysteine.
Molecular consequence: missense variant.
Genome position (GRCh38, 1-based): chr5:61,332,450, G>T. VCF-style: chr5-61332450-G-T. GRCh37 (hg19) VCF-style: chr5-60628277-G-T.
Other names: short protein forms G60C.
Identifiers: ClinVar variation 4875043 (VCV004875043.2).